The following is an entry in ClinVar:

NM_000038.6(APC):c.8089T>A (p.Ser2697Thr)

Gene: APC (APC regulator of Wnt signaling pathway; plus strand). Cytogenetic location: 5q22.2.
Variant type: single nucleotide variant.
Coding change: c.8089T>A on transcript NM_000038.6 (MANE Select); coding-DNA position 8089, T replaced by A.
Protein change: p.Ser2697Thr; replaces serine 2697 with threonine.
Molecular consequence: missense variant.
Genome position (GRCh38, 1-based): chr5:112,843,683, T>A. VCF-style: chr5-112843683-T-A. GRCh37 (hg19) VCF-style: chr5-112179380-T-A.
Other names: c.8089T>A, p.Ser2697Thr (NM_001127510.3, NM_001354895.2); c.8035T>A, p.Ser2679Thr (NM_001127511.3); c.8143T>A, p.Ser2715Thr (NM_001354896.2); c.8119T>A, p.Ser2707Thr (NM_001354897.2); c.8014T>A, p.Ser2672Thr (NM_001354898.2); c.8005T>A, p.Ser2669Thr (NM_001354899.2); c.7966T>A, p.Ser2656Thr (NM_001354900.2); c.7912T>A, p.Ser2638Thr (NM_001354901.2); and 5 more; short protein forms S2679T, S2697T, S2596T, S2638T, S2606T, S2669T, S2707T, S2414T.
Identifiers: ClinVar variation 537566 (VCV000537566.15), dbSNP rs1388750461, ClinGen allele CA16038896.
Genomic context (GRCh38, chr5:112,843,683, plus strand): 5'-GGTAATACTCCCCCGGTGATTGACAGTGTTTCAGAAAAGGCAAATCCAAACATTAAAGAT[T>A]CAAAAGATAATCAGGCAAAACAAAATGTGGGTAATGGCAGTGTTCCCATGCGTACCGTGG-3'
Protein context (NP_000029.2, residues 2687-2707): SEKANPNIKD[Ser2697Thr]KDNQAKQNVG

ClinVar aggregate classification (germline): Uncertain significance. Review status: criteria provided, multiple submitters, no conflicts (2 of 4 stars). 3 submissions from 3 submitters: Uncertain significance (3). Last evaluated 2025-04-07.

Conditions:
Hereditary cancer-predisposing syndrome. Also called: Tumor predisposition; Hereditary Cancer Syndrome; Hereditary neoplastic syndrome; Neoplastic Syndromes, Hereditary. Identifiers: Orphanet 140162, MedGen C0027672, MeSH D009386, MONDO:0015356.
Familial adenomatous polyposis 1 (FAP1). Also called: FAMILIAL ADENOMATOUS POLYPOSIS 1, ATTENUATED; POLYPOSIS, ADENOMATOUS INTESTINAL. Identifiers: MedGen C2713442, MONDO:0021056, OMIM 175100. Disease mechanism: loss of function.

Allele frequency attached by ClinVar (database versions not stated): gnomAD exomes below 0.00001.
gnomAD v4.1: 1 of 1,613,990 alleles (0.000062%); highest among the groups gnomAD compares: South Asian, 0.0011%; no homozygotes.

Submissions (3):

GeneDx
Classification: Uncertain significance. Last evaluated: 2025-04-07. Review status: criteria provided, single submitter. Criteria: GeneDx Variant Classification Process June 2021. Collection method: clinical testing. Allele origin: germline. Affected: yes.
Comment: Not observed at significant frequency in large population cohorts (gnomAD); In silico analysis indicates that this missense variant does not alter protein structure/function; Has not been previously published as pathogenic or benign to our knowledge; This variant is associated with the following publications: (PMID: 18199528)

Ambry Genetics
Classification: Uncertain significance for Hereditary cancer-predisposing syndrome. Last evaluated: 2022-08-16. Review status: criteria provided, single submitter. Criteria: Ambry Variant Classification Scheme 2023. Collection method: clinical testing. Allele origin: germline.
Comment: The p.S2697T variant (also known as c.8089T>A), located in coding exon 15 of the APC gene, results from a T to A substitution at nucleotide position 8089. The serine at codon 2697 is replaced by threonine, an amino acid with similar properties. This amino acid position is conserved. In addition, in silico predictors for this gene do not accurately predict pathogenicity. Since supporting evidence is limited at this time, the clinical significance of this alteration remains unclear.

Labcorp Genetics (formerly Invitae), Labcorp
Classification: Uncertain significance for Familial adenomatous polyposis 1. Last evaluated: 2022-08-16. Review status: criteria provided, single submitter. Criteria: Invitae Variant Classification Sherloc (09022015). Collection method: clinical testing. Allele origin: germline.
Comment: ClinVar contains an entry for this variant (Variation ID: 537566). This sequence change replaces serine, which is neutral and polar, with threonine, which is neutral and polar, at codon 2697 of the APC protein (p.Ser2697Thr). This variant is present in population databases (no rsID available, gnomAD 0.003%). This variant has not been reported in the literature in individuals affected with APC-related conditions. Algorithms developed to predict the effect of missense changes on protein structure and function (SIFT, PolyPhen-2, Align-GVGD) all suggest that this variant is likely to be tolerated. In summary, the available evidence is currently insufficient to determine the role of this variant in disease. Therefore, it has been classified as a Variant of Uncertain Significance.